The following is an entry in ClinVar:

NM_001267550.2(TTN):c.25282G>A (p.Gly8428Arg)

Gene: TTN (titin; minus strand). Cytogenetic location: 2q31.2.
Variant type: single nucleotide variant.
Coding change: c.25282G>A on transcript NM_001267550.2 (MANE Select); coding-DNA position 25282, G replaced by A.
Protein change: p.Gly8428Arg; replaces glycine 8428 with arginine.
Molecular consequence: missense variant. On other transcripts: intron variant (3).
Genome position (GRCh38, 1-based): chr2:178,717,592, C>T on the plus strand (G>A on the coding strand, the complement: TTN is on the minus strand). VCF-style: chr2-178717592-C-T. GRCh37 (hg19) VCF-style: chr2-179582319-C-T.
Other names: c.24331G>A, p.Gly8111Arg (NM_001256850.1); c.21550G>A, p.Gly7184Arg (NM_133378.4); c.13282+20490G>A (NM_003319.4); c.13858+20490G>A (NM_133437.4); c.13657+20490G>A (NM_133432.3); short protein forms G7184R, G8111R, G8428R.
Identifiers: ClinVar variation 1302470 (VCV001302470.2), dbSNP rs2154299084, ClinGen allele CA349487043.
Genomic context (GRCh38, chr2:178,717,592, plus strand): 5'-TGAGCTTGGCACTGGATGAAGCAGTCCCAAGAGGATTAGAAGCAGAGCAATTATACTGCC[C>T]TATGTGGCTCTGGTCAGTTTGTAAAATCTGAAGAGTTGCTACATTATGAACAAAAGATGT-3'
Protein context (NP_001254479.2, residues 8418-8438): QILQTDQSHI[Gly8428Arg]QYNCSASNPL

ClinVar aggregate classification (germline): Uncertain significance (1 of 4 stars; one submission).

Submission:

GeneDx
Classification: Uncertain significance. Last evaluated: 2019-04-17. Review status: criteria provided, single submitter. Criteria: GeneDx Variant Classification Process June 2021. Collection method: clinical testing. Allele origin: germline. Affected: yes.
Comment: Not observed in large population cohorts (Lek et al., 2016); Missense variant in a gene in which most reported pathogenic variants are truncating/loss-of-function; Not located in the A-band nor the M-line region of titin, where the majority of pathogenic truncating variants have been reported; In silico analysis, which includes protein predictors and evolutionary conservation, supports that this variant does not alter protein structure/function; Has not been previously reported as pathogenic or benign to our knowledge